The following is an entry in ClinVar:

ClinVar aggregate classification (germline): Uncertain significance (1 of 4 stars; one submission).

Conditions:
Cardiovascular phenotype. Identifiers: MedGen CN230736.

gnomAD v4.1: 7 of 1,614,132 alleles (0.00043%); highest among the groups gnomAD compares: South Asian, 0.0022%; no homozygotes.

Submission:

Ambry Genetics
Classification: Uncertain significance for Cardiovascular phenotype. Last evaluated: 2021-02-03. Review status: criteria provided, single submitter. Criteria: Ambry Variant Classification Scheme 2023. Collection method: clinical testing. Allele origin: germline.
Comment: The p.T84R variant (also known as c.251C>G), located in coding exon 2 of the CSRP3 gene, results from a C to G substitution at nucleotide position 251. The threonine at codon 84 is replaced by arginine, an amino acid with similar properties. This amino acid position is well conserved in available vertebrate species. In addition, this alteration is predicted to be tolerated by in silico analysis. Since supporting evidence is limited at this time, the clinical significance of this alteration remains unclear.

NM_003476.5(CSRP3):c.251C>G (p.Thr84Arg)

Gene: CSRP3 (cysteine and glycine rich protein 3; minus strand). Cytogenetic location: 11p15.1.
Variant type: single nucleotide variant.
Coding change: c.251C>G on transcript NM_003476.5 (MANE Select); coding-DNA position 251, C replaced by G.
Protein change: p.Thr84Arg; replaces threonine 84 with arginine.
Molecular consequence: missense variant. On other transcripts: intron variant (1).
Genome position (GRCh38, 1-based): chr11:19,188,166, G>C on the plus strand (C>G on the coding strand, the complement: CSRP3 is on the minus strand). VCF-style: chr11-19188166-G-C. GRCh37 (hg19) VCF-style: chr11-19209713-G-C.
Other names: c.251C>G, p.Thr84Arg (NM_001127656.1); c.113-1818C>G (NM_001369404.1); short protein forms T84R.
Identifiers: ClinVar variation 1792507 (VCV001792507.2), dbSNP rs777327517, ClinGen allele CA5916610.
Genomic context (GRCh38, chr11:19,188,166, plus strand): 5'-CAGGCAAGGGGGAGCAGGGCAGTAACTCACTGTTGGAACTGCAGGCCGAGATGCTCGCCC[G>C]TGTCTGTGCTGAGACAGCCAGCGCCTTGTCCATACCCGATCCCTTTGGGGCCATATCTGC-3'
Protein context (NP_003467.1, residues 74-94): GQGAGCLSTD[Thr84Arg]GEHLGLQFQQ